The following is an entry in ClinVar:

ClinVar aggregate classification (germline): Benign (1 of 4 stars; one submission).

Submission:

CeGaT Center for Human Genetics Tuebingen
Classification: Benign. Last evaluated: 2025-09-01. Review status: criteria provided, single submitter. Criteria: CeGaT Center For Human Genetics Tuebingen Variant Classification Criteria Version 2. Collection method: clinical testing. Allele origin: germline. Affected: yes. Observed: 5 variant alleles.
Comment: A3GALT2: BS1, BS2

NM_001080438.1(A3GALT2):c.315_318del (p.Thr106fs)

Gene: A3GALT2 (alpha 1,3-galactosyltransferase 2; minus strand). Cytogenetic location: 1p35.1.
Variant type: Deletion.
Coding change: c.315_318del on transcript NM_001080438.1 (MANE Select); coding-DNA positions 315 to 318, 4 bases deleted (GACT; older notation c.315_318delGACT).
Protein change: p.Thr106fs; shifts the reading frame from threonine 106.
Molecular consequence: frameshift variant.
Genome position (GRCh38, 1-based): chr1:33,312,069-33,312,072, AGTC deleted on the plus strand (GACT on the coding strand, the reverse complement: A3GALT2 is on the minus strand); deleting any 4 consecutive bases within chr1:33,312,069-33,312,074 gives the same sequence; the c. name uses the placement nearest the transcript's 3' end. VCF-style (leftmost placement, unchanged base first): chr1-33312068-TAGTC-T. GRCh37 (hg19) VCF-style: chr1-33777669-TAGTC-T.
Other names: short protein forms T106fs.
Identifiers: ClinVar variation 2638620 (VCV002638620.24), dbSNP rs201715975, ClinGen allele CA748843.